The following is an entry in ClinVar:

NM_000760.4(CSF3R):c.447G>C (p.Glu149Asp)

Gene: CSF3R (colony stimulating factor 3 receptor; minus strand). Cytogenetic location: 1p34.3.
Variant type: single nucleotide variant.
Coding change: c.447G>C on transcript NM_000760.4 (MANE Select); coding-DNA position 447, G replaced by C.
Protein change: p.Glu149Asp; replaces glutamic acid 149 with aspartic acid.
Molecular consequence: missense variant.
Genome position (GRCh38, 1-based): chr1:36,473,802, C>G on the plus strand (G>C on the coding strand, the complement: CSF3R is on the minus strand). VCF-style: chr1-36473802-C-G. GRCh37 (hg19) VCF-style: chr1-36939403-C-G.
Other names: p.Glu149Asp; c.447G>C, p.Glu149Asp (LRG_144t1, NM_156039.3, NM_172313.3); short protein forms E149D.
Identifiers: ClinVar variation 434837 (VCV000434837.69), dbSNP rs139332126, ClinGen allele CA769474.

ClinVar aggregate classification (germline): Conflicting classifications of pathogenicity. Review status: criteria provided, conflicting classifications (1 of 4 stars). 11 submissions from 11 submitters: Uncertain significance (1); Benign (2); Likely benign (5). 3 of the submissions do not count toward it. Last evaluated 2026-04-08.

Conditions:
CSF3R-related disorder. Also called: CSF3R-related condition.
Autosomal recessive severe congenital neutropenia due to CSF3R deficiency. Also called: Neutropenia, severe congenital, 7, autosomal recessive. Identifiers: Orphanet 420702, MedGen C4310764, MONDO:0014865, OMIM 617014.

Allele frequency attached by ClinVar (database versions not stated): 1000 Genomes Project 0.00120; 1000 Genomes Project 30x 0.00125; TOPMed 0.00289; gnomAD 0.00300 and 0.00297; ESP Exome Variant Server 0.00346; gnomAD exomes 0.00453 and 0.00294; ExAC 0.00299.
gnomAD v4.1: 7,085 of 1,614,236 alleles (0.44%); highest among the groups gnomAD compares: Non-Finnish European, 0.53%; 32 homozygotes.

Submissions (11):

Women's Health and Genetics/Laboratory Corporation of America, LabCorp
Classification: Likely benign. Last evaluated: 2026-04-08. Review status: criteria provided, single submitter. Criteria: LabCorp Variant Classification Summary - May 2015. Collection method: clinical testing. Allele origin: germline.
Comment: Variant summary: CSF3R c.447G>C (p.Glu149Asp) results in a conservative amino acid change in the encoded protein sequence. Algorithms developed to predict the effect of missense changes on protein structure and function all suggest that this variant is likely to be tolerated. The variant allele was found at a frequency of 0.0029 in 251422 control chromosomes, predominantly at a frequency of 0.0047 within the Non-Finnish European subpopulation in the gnomAD database. The observed variant frequency within Non-Finnish European control individuals in the gnomAD database exceeds the estimated maximal expected allele frequency for disease-causing variants in CSF3R. ClinVar contains an entry for this variant (Variation ID: 434837). Based on the evidence outlined above, the variant was classified as likely benign.

Labcorp Genetics (formerly Invitae), Labcorp
Classification: Benign for Autosomal recessive severe congenital neutropenia due to CSF3R deficiency. Last evaluated: 2026-01-24. Review status: criteria provided, single submitter. Criteria: Invitae Variant Classification Sherloc (09022015). Collection method: clinical testing. Allele origin: germline.

Mayo Clinic Laboratories, Mayo Clinic
Classification: Benign. Last evaluated: 2025-08-15. Review status: criteria provided, single submitter. Criteria: ACMG Guidelines, 2015. Collection method: clinical testing. Allele origin: germline. Observed: 2 variant alleles.
Comment: BS1, BS2, BP4_strong

Blueprint Genetics
Classification: Likely benign. Last evaluated: 2024-11-26. Review status: criteria provided, single submitter. Criteria: ACMG Guidelines, 2015. Collection method: clinical testing. Allele origin: germline.

CeGaT Center for Human Genetics Tuebingen
Classification: Likely benign. Last evaluated: 2024-10-01. Review status: criteria provided, single submitter. Criteria: CeGaT Center For Human Genetics Tuebingen Variant Classification Criteria Version 2. Collection method: clinical testing. Allele origin: germline. Affected: yes. Observed: 3 variant alleles.
Comment: CSF3R: BP4, BS2

GeneDx
Classification: Uncertain significance. Last evaluated: 2021-07-22. Review status: criteria provided, single submitter. Criteria: GeneDx Variant Classification Process June 2021. Collection method: clinical testing. Allele origin: germline. Affected: yes.
Comment: Identified in a patient with Shwachman-Diamond syndrome, but it is not clear if the variant occurred as a germline or somatic variant (Klimiankou et al., 2019); In silico analysis, which includes protein predictors and evolutionary conservation, supports that this variant does not alter protein structure/function; This variant is associated with the following publications: (PMID: 33108454, 30891028)

Institute for Genomic Medicine (IGM) Clinical Laboratory, Nationwide Children's Hospital
Classification: Likely benign. Last evaluated: 2017-08-15. Review status: criteria provided, single submitter. Criteria: ACMG Guidelines, 2015. Collection method: clinical testing. Allele origin: germline.
Comment: BS1, BP4; This alteration has an allele frequency that is greater than expected for the associated disease, and is predicted to be tolerated by multiple functional prediction tools.

Genetic Services Laboratory, University of Chicago
Classification: Likely benign. Last evaluated: 2016-11-14. Review status: criteria provided, single submitter. Criteria: ACMG Guidelines, 2015. Collection method: clinical testing. Allele origin: germline. Affected: no.

PreventionGenetics, part of Exact Sciences
Classification: Likely benign for CSF3R-related condition. Last evaluated: 2020-03-25. Review status: no assertion criteria provided. Collection method: clinical testing. Allele origin: germline. Not counted in ClinVar's aggregate classification.
Comment: This variant is classified as likely benign based on ACMG/AMP sequence variant interpretation guidelines (Richards et al. 2015 PMID: 25741868, with internal and published modifications).

Clinical Genetics DNA and cytogenetics Diagnostics Lab, Erasmus MC, Erasmus Medical Center
Classification: Likely benign. Review status: no assertion criteria provided. Collection method: clinical testing. Allele origin: germline. Affected: yes. Study: VKGL Data-share Consensus. Not counted in ClinVar's aggregate classification.

Genome Diagnostics Laboratory, University Medical Center Utrecht
Classification: Likely benign. Review status: no assertion criteria provided. Collection method: clinical testing. Allele origin: germline. Affected: yes. Study: VKGL Data-share Consensus. Not counted in ClinVar's aggregate classification.

Literature cited by the submitters: PubMed 23896413 (cited by Women's Health and Genetics/Laboratory Corporation of America, LabCorp); PubMed 28302714 (cited by Women's Health and Genetics/Laboratory Corporation of America, LabCorp); PubMed 24627528 (cited by Women's Health and Genetics/Laboratory Corporation of America, LabCorp); PubMed 23656643 (cited by Women's Health and Genetics/Laboratory Corporation of America, LabCorp); PubMed 23604229 (cited by Women's Health and Genetics/Laboratory Corporation of America, LabCorp); PubMed 27069254 (cited by Women's Health and Genetics/Laboratory Corporation of America, LabCorp).